The following is an entry in ClinVar:

NM_000829.4(GRIA4):c.197C>T (p.Pro66Leu)

Gene: GRIA4 (glutamate ionotropic receptor AMPA type subunit 4; plus strand). Cytogenetic location: 11q22.3.
Variant type: single nucleotide variant.
Coding change: c.197C>T on transcript NM_000829.4 (MANE Select); coding-DNA position 197, C replaced by T.
Protein change: p.Pro66Leu; replaces proline 66 with leucine.
Molecular consequence: missense variant. On other transcripts: non-coding transcript variant (1).
Genome position (GRCh38, 1-based): chr11:105,612,384, C>T. VCF-style: chr11-105612384-C-T. GRCh37 (hg19) VCF-style: chr11-105483111-C-T.
Other names: c.197C>T, p.Pro66Leu (NM_001077243.3, NM_001077244.2, NM_001112812.2 and 20 more transcripts); short protein forms P66L.
Identifiers: ClinVar variation 4530583 (VCV004530583.1).

ClinVar aggregate classification (germline): Uncertain significance (1 of 4 stars; one submission).

Conditions:
Neurodevelopmental disorder with or without seizures and gait abnormalities. Identifiers: MedGen C4693391, MONDO:0060641, OMIM 617864.

Submission:

Institute of Human Genetics, University of Leipzig Medical Center
Classification: Uncertain significance for Neurodevelopmental disorder with or without seizures and gait abnormalities. Last evaluated: 2025-10-22. Review status: criteria provided, single submitter. Criteria: ACMG Guidelines, 2015. Collection method: clinical testing. Allele origin: unknown. Affected: yes.
Comment: Criteria applied: PM2_MOD,PP2,PP3